The following is an entry in ClinVar:

NM_004333.6(BRAF):c.1405G>C (p.Gly469Arg)

Gene: BRAF (B-Raf proto-oncogene, serine/threonine kinase; minus strand). Cytogenetic location: 7q34.
Variant type: single nucleotide variant.
Coding change: c.1405G>C on transcript NM_004333.6 (MANE Select); coding-DNA position 1405, G replaced by C.
Protein change: p.Gly469Arg; replaces glycine 469 with arginine.
Molecular consequence: missense variant.
Genome position (GRCh38, 1-based): chr7:140,781,603, C>G on the plus strand (G>C on the coding strand, the complement: BRAF is on the minus strand). VCF-style: chr7-140781603-C-G. GRCh37 (hg19) VCF-style: chr7-140481403-C-G.
Other names: p.G469R:GGA>CGA; c.1405G>C, p.Gly469Arg (NM_001354609.2, NM_001378468.1, NM_001378474.1); c.1525G>C, p.Gly509Arg (NM_001374244.1, NM_001374258.1); c.1414G>C, p.Gly472Arg (NM_001378467.1); c.1339G>C, p.Gly447Arg (NM_001378469.1); c.1303G>C, p.Gly435Arg (NM_001378470.1); c.1294G>C, p.Gly432Arg (NM_001378471.1); c.1249G>C, p.Gly417Arg (NM_001378472.1, NM_001378473.1); and 1 more; short protein forms G469R, G381R, G417R, G432R, G435R, G447R, G472R, G509R.
Identifiers: ClinVar variation 13970 (VCV000013970.3), dbSNP rs121913357, ClinGen allele CA123653.

ClinVar aggregate classification (germline): Pathogenic/Likely pathogenic. Review status: criteria provided, multiple submitters, no conflicts (2 of 4 stars). 3 submissions from 3 submitters: Pathogenic (1); Likely pathogenic (1). 1 of the submissions does not count toward it. Last evaluated 2021-10-17.

Conditions:
Cardio-facio-cutaneous syndrome. Also called: Cardiofaciocutaneous syndrome; CFC syndrome. Identifiers: Orphanet 1340, MedGen C1275081, MONDO:0015280. Disease mechanism: gain of function.
Non-Hodgkin lymphoma (NHL). Also called: Malignant lymphoma, non-Hodgkin; LYMPHOMA, NON-HODGKIN, SOMATIC. Identifiers: Orphanet 547, MedGen C0024305, MONDO:0018908, HP:0012539.

Submissions (3):

Women's Health and Genetics/Laboratory Corporation of America, LabCorp
Classification: Likely pathogenic for Cardio-facio-cutaneous syndrome. Last evaluated: 2021-10-17. Review status: criteria provided, single submitter. Criteria: LabCorp Variant Classification Summary - May 2015. Collection method: clinical testing. Allele origin: germline.
Comment: Variant summary: BRAF c.1405G>C (p.Gly469Arg) results in a non-conservative amino acid change located in the Serine-threonine/tyrosine-protein kinase, catalytic domain (IPR000719) of the encoded protein sequence. Five of five in-silico tools predict a damaging effect of the variant on protein function. The variant was absent in 251420 control chromosomes. c.1405G>C has been widely reported in the literature as a somatic variant in a variety of cancers such as melanoma and in at-least one case of fetal autopsy findings of Cardiofaciocutaneous Syndrome (example, Terry_2014). In the fetal case, both parents denied having personal or family histories of genetic disorders, malformations, or other significant abnormalities. Therefore, although a de-novo etiology is likely, it was not unequivocally established by parental analysis as reported in this study. Furthermore, pathogenic/likely pathogenic variants in HRAS, KRAS, MAP2K1, MAP2K2, PTPN11, RAF1, SOS1, and exon 2 of SHOC2 were reportedly not identified. At least one publication reports experimental evidence evaluating an impact on protein function (Damm_2014). The most pronounced variant effect results in constitutive ERK phosphorylation and Egr2 transcription along with a decrease in the proprtion of B cells in BRAF-G469R mice, as compared with empty murine stem cell virus vector or BRAF-wild type mice. No clinical diagnostic laboratories have submitted germline clinical-significance assessments for this variant to ClinVar after 2014. Based on the evidence outlined above, the variant was classified as likely pathogenic.

GeneDx
Classification: Pathogenic. Last evaluated: 2012-12-17. Review status: criteria provided, single submitter. Criteria: GeneDx Variant Classification (06012015). Collection method: clinical testing. Allele origin: germline. Affected: yes.
Comment: The G469R missense mutation has not been reported as a germline mutation to our knowlege; however, a different mutation at this residue (G469E) has been described in patients with Cardio-Facio-Cutaneous (CFC) Syndrome (Niihori et al., 2006). The G469R mutation identified in the fetus has been reported previously as a somatic mutation in association with haematopoietic and lymphoid cancer (Catalogue of Somatic Mutations in Cancer). The G469R missense change is a non-conservative substitution with a neutral, non-polar Gly residue being replaced by a positively-charged Arg residue. The NHLBI ESP Exome Variant Server reports that G469R was not observed in approximately 6,500 samples from individuals of European and African American backgrounds, indicating it is not a common benign variant in these populations. The variant is found in NOONAN panel(s).

OMIM
Classification: Pathogenic for LYMPHOMA, NON-HODGKIN, SOMATIC. Last evaluated: 2003-11-17. Review status: no assertion criteria provided. Collection method: literature only. Allele origin: somatic. Not counted in ClinVar's aggregate classification.

Literature cited by the submitters: PubMed 19206169 (cited by Women's Health and Genetics/Laboratory Corporation of America, LabCorp); PubMed 17603483 (cited by Women's Health and Genetics/Laboratory Corporation of America, LabCorp); PubMed 24920063 (cited by Women's Health and Genetics/Laboratory Corporation of America, LabCorp); PubMed 24446311 (cited by Women's Health and Genetics/Laboratory Corporation of America, LabCorp); PubMed 26619011 (cited by Women's Health and Genetics/Laboratory Corporation of America, LabCorp); PubMed 27276561 (cited by Women's Health and Genetics/Laboratory Corporation of America, LabCorp); PubMed 27236105 (cited by Women's Health and Genetics/Laboratory Corporation of America, LabCorp); PubMed 14612909 (cited by Women's Health and Genetics/Laboratory Corporation of America, LabCorp and OMIM); PubMed 24303953 (cited by Women's Health and Genetics/Laboratory Corporation of America, LabCorp); PubMed 12960123 (cited by OMIM).